The following is an entry in ClinVar:

NM_000059.4(BRCA2):c.4151T>C (p.Leu1384Ser)

Gene: BRCA2 (BRCA2 DNA repair associated; plus strand). Cytogenetic location: 13q13.1.
Variant type: single nucleotide variant.
Coding change: c.4151T>C on transcript NM_000059.4 (MANE Select); coding-DNA position 4151, T replaced by C.
Protein change: p.Leu1384Ser; replaces leucine 1384 with serine.
Molecular consequence: missense variant.
Genome position (GRCh38, 1-based): chr13:32,338,506, T>C. VCF-style: chr13-32338506-T-C. GRCh37 (hg19) VCF-style: chr13-32912643-T-C.
Other names: c.4151T>C, p.Leu1384Ser (NM_001406719.1, NM_001406720.1); short protein forms L1384S.
Identifiers: ClinVar variation 1722151 (VCV001722151.8), dbSNP rs397507325, ClinGen allele CA387779996.

ClinVar aggregate classification (germline): Conflicting classifications of pathogenicity. Review status: criteria provided, conflicting classifications (1 of 4 stars). 3 submissions from 3 submitters: Uncertain significance (2); Likely benign (1). Last evaluated 2024-09-01.

Conditions:
Hereditary cancer-predisposing syndrome. Also called: Neoplastic Syndromes, Hereditary; Tumor predisposition; Hereditary neoplastic syndrome; Hereditary Cancer Syndrome. Identifiers: Orphanet 140162, MedGen C0027672, MeSH D009386, MONDO:0015356.
Hereditary breast ovarian cancer syndrome. Also called: BRCA1- and BRCA2-Associated Hereditary Breast and Ovarian Cancer; Hereditary breast and ovarian cancer syndrome (HBOC); Hereditary breast and ovarian cancer syndrome; Hereditary breast and ovarian cancer; Hereditary breast and/or ovarian cancer syndrome; Breast and ovarian cancer. Identifiers: Orphanet 145, MedGen C0677776, MeSH D061325, MONDO:0003582. Disease mechanism: loss of function.

Submissions (3):

Ambry Genetics
Classification: Uncertain significance for Hereditary cancer-predisposing syndrome. Last evaluated: 2024-09-01. Review status: criteria provided, single submitter. Criteria: Ambry Variant Classification Scheme 2023. Collection method: clinical testing. Allele origin: germline.
Comment: The p.L1384S variant (also known as c.4151T>C), located in coding exon 10 of the BRCA2 gene, results from a T to C substitution at nucleotide position 4151. The leucine at codon 1384 is replaced by serine, an amino acid with dissimilar properties. This amino acid position is conserved. In addition, this alteration is predicted to be tolerated by in silico analysis. Based on the available evidence, the clinical significance of this variant remains unclear.

University of Washington Department of Laboratory Medicine, University of Washington
Classification: Likely benign for Hereditary cancer-predisposing syndrome. Last evaluated: 2023-03-23. Review status: criteria provided, single submitter. Criteria: Dines et al. (Genet Med. 2020). Collection method: curation. Allele origin: germline.
Comment: Missense variant in a coldspot region where missense variants are very unlikely to be pathogenic (PMID:31911673).

BRCA2 exon 11 coldspot. Reclassification based on statistical prior probability.

Labcorp Genetics (formerly Invitae), Labcorp
Classification: Uncertain significance for Hereditary breast ovarian cancer syndrome. Last evaluated: 2022-10-25. Review status: criteria provided, single submitter. Criteria: Invitae Variant Classification Sherloc (09022015). Collection method: clinical testing. Allele origin: germline.
Comment: This variant has not been reported in the literature in individuals affected with BRCA2-related conditions. This sequence change replaces leucine, which is neutral and non-polar, with serine, which is neutral and polar, at codon 1384 of the BRCA2 protein (p.Leu1384Ser). This variant is not present in population databases (gnomAD no frequency). Advanced modeling of protein sequence and biophysical properties (such as structural, functional, and spatial information, amino acid conservation, physicochemical variation, residue mobility, and thermodynamic stability) performed at Invitae indicates that this missense variant is not expected to disrupt BRCA2 protein function. In summary, the available evidence is currently insufficient to determine the role of this variant in disease. Therefore, it has been classified as a Variant of Uncertain Significance.